The following is an entry in ClinVar:

ClinVar aggregate classification (germline): Benign/Likely benign. Review status: criteria provided, multiple submitters, no conflicts (2 of 4 stars). 8 submissions from 8 submitters: Benign (2); Likely benign (6). Last evaluated 2026-01-14.

Conditions:
MEN1-related disorder. Also called: MEN1-related condition.
Hereditary cancer-predisposing syndrome. Also called: Tumor predisposition; Hereditary neoplastic syndrome; Hereditary Cancer Syndrome; Neoplastic Syndromes, Hereditary. Identifiers: Orphanet 140162, MedGen C0027672, MeSH D009386, MONDO:0015356.
Multiple endocrine neoplasia, type 1 (MEN1). Also called: MEA I; Endocrine adenomatosis multiple; MEN 1; MEN I; WERMER SYNDROME. Identifiers: Orphanet 652, MedGen C0025267, MeSH D018761, MONDO:0007540, OMIM 131100.

Allele frequency attached by ClinVar (database versions not stated): gnomAD 0.00003; TOPMed 0.00003; gnomAD exomes 0.00004 and 0.00007; ExAC 0.00007; ESP Exome Variant Server 0.00015.
gnomAD v4.1: 61 of 1,614,032 alleles (0.0038%); highest among the groups gnomAD compares: Middle Eastern, 0.016%; no homozygotes.

Submissions (8):

Labcorp Genetics (formerly Invitae), Labcorp
Classification: Likely benign for Multiple endocrine neoplasia, type 1. Last evaluated: 2026-01-14. Review status: criteria provided, single submitter. Criteria: Invitae Variant Classification Sherloc (09022015). Collection method: clinical testing. Allele origin: germline.

PreventionGenetics, part of Exact Sciences
Classification: Likely benign for MEN1-related condition. Last evaluated: 2026-01-12. Review status: criteria provided, single submitter. Criteria: ACMG Guidelines, 2015. Collection method: clinical testing. Allele origin: germline.
Comment: This variant is classified as likely benign based on ACMG/AMP sequence variant interpretation guidelines (Richards et al. 2015 PMID: 25741868, with internal and published modifications).

CeGaT Center for Human Genetics Tuebingen
Classification: Likely benign. Last evaluated: 2025-08-01. Review status: criteria provided, single submitter. Criteria: CeGaT Center For Human Genetics Tuebingen Variant Classification Criteria Version 2. Collection method: clinical testing. Allele origin: germline. Affected: yes. Observed: 2 variant alleles.
Comment: MEN1: BP4, BP7

Women's Health and Genetics/Laboratory Corporation of America, LabCorp
Classification: Benign. Last evaluated: 2024-12-06. Review status: criteria provided, single submitter. Criteria: LabCorp Variant Classification Summary - May 2015. Collection method: clinical testing. Allele origin: germline.

Myriad Genetics, Inc.
Classification: Benign for Multiple endocrine neoplasia, type 1. Last evaluated: 2024-11-01. Review status: criteria provided, single submitter. Criteria: Myriad Autosomal Dominant, Autosomal Recessive and X-Linked Classification Criteria (2023). Collection method: clinical testing. Allele origin: unknown.
Comment: This variant is considered benign. This variant is a silent/synonymous amino acid change and it is not expected to impact splicing.

Blueprint Genetics
Classification: Likely benign. Last evaluated: 2024-04-12. Review status: criteria provided, single submitter. Criteria: ACMG Guidelines, 2015. Collection method: clinical testing. Allele origin: germline.

Color Diagnostics, LLC DBA Color Health
Classification: Likely benign for Multiple endocrine neoplasia, type 1. Last evaluated: 2023-11-08. Review status: criteria provided, single submitter. Criteria: ACMG Guidelines, 2015. Collection method: clinical testing. Allele origin: germline.

Ambry Genetics
Classification: Likely benign for Hereditary cancer-predisposing syndrome. Last evaluated: 2016-01-11. Review status: criteria provided, single submitter. Criteria: Ambry Variant Classification Scheme 2023. Collection method: clinical testing. Allele origin: germline.

NM_001370259.2(MEN1):c.525C>T (p.Leu175=)

Gene: MEN1 (menin 1; minus strand). Cytogenetic location: 11q13.1.
Variant type: single nucleotide variant.
Coding change: c.525C>T on transcript NM_001370259.2 (MANE Select); coding-DNA position 525, C replaced by T.
Protein change: p.Leu175=; no amino-acid change (leucine 175 retained).
Molecular consequence: synonymous variant.
Genome position (GRCh38, 1-based): chr11:64,808,020, G>A on the plus strand (C>T on the coding strand, the complement: MEN1 is on the minus strand). VCF-style: chr11-64808020-G-A. GRCh37 (hg19) VCF-style: chr11-64575492-G-A.
Other names: c.540C>T, p.Leu180= (NM_000244.4, NM_130800.3, NM_130801.3 and 3 more transcripts); c.525C>T, p.Leu175= (NM_001370251.2, NM_001370260.2, NM_001370261.2 and 3 more transcripts); c.540C>T (NM_000244.3).
Identifiers: ClinVar variation 412568 (VCV000412568.46), dbSNP rs200155578, ClinGen allele CA061272.
Genomic context (GRCh38, chr11:64,808,020, plus strand): 5'-CTCAGCTGTCTGCTCCCCATTGGGCCCAAACACTACCCAGGCATGATCCTCAGACAGGGC[G>A]AGGTGGACATCCCGGAGACCCAGGGCCTGGCAGGCCCCAACCACAGCAAAGGCCACACCG-3'
Protein context (NP_001357188.2, residues 165-185): CQALGLRDVH[Leu175=]ALSEDHAWVV